The following is an entry in ClinVar:

ClinVar aggregate classification (germline): Likely benign. Review status: criteria provided, multiple submitters, no conflicts (2 of 4 stars). 2 submissions from 2 submitters: Likely benign (2). Last evaluated 2025-06-22.

Allele frequency attached by ClinVar (database versions not stated): 1000 Genomes Project 0.00020; ExAC 0.00006; TOPMed 0.00008; gnomAD 0.00009; gnomAD exomes 0.00012; 1000 Genomes Project 30x 0.00016.
gnomAD v4.1: 180 of 1,612,730 alleles (0.011%); highest among the groups gnomAD compares: African/African-American, 0.019%; no homozygotes.

Submissions (2):

Labcorp Genetics (formerly Invitae), Labcorp
Classification: Likely benign. Last evaluated: 2025-06-22. Review status: criteria provided, single submitter. Criteria: Invitae Variant Classification Sherloc (09022015). Collection method: clinical testing. Allele origin: germline.

CeGaT Center for Human Genetics Tuebingen
Classification: Likely benign. Last evaluated: 2022-10-01. Review status: criteria provided, single submitter. Criteria: CeGaT Center For Human Genetics Tuebingen Variant Classification Criteria Version 2. Collection method: clinical testing. Allele origin: germline. Affected: yes. Observed: 1 variant allele.
Comment: NFIA: BP4, BP7

NM_001134673.4(NFIA):c.1383G>A (p.Thr461=)

Gene: NFIA (nuclear factor I A; plus strand). Cytogenetic location: 1p31.3.
Variant type: single nucleotide variant.
Coding change: c.1383G>A on transcript NM_001134673.4 (MANE Select); coding-DNA position 1383, G replaced by A.
Protein change: p.Thr461=; no amino-acid change (threonine 461 retained).
Molecular consequence: synonymous variant.
Genome position (GRCh38, 1-based): chr1:61,406,690, G>A. VCF-style: chr1-61406690-G-A. GRCh37 (hg19) VCF-style: chr1-61872362-G-A.
Other names: c.1359G>A, p.Thr453= (NM_001145511.2); c.1518G>A, p.Thr506= (NM_001145512.2); c.1383G>A, p.Thr461= (NM_005595.5).
Identifiers: ClinVar variation 2084543 (VCV002084543.28), dbSNP rs566756049, ClinGen allele CA881286.